The following is an entry in ClinVar:

ClinVar aggregate classification (germline): Likely benign (1 of 4 stars; one submission).

Allele frequency attached by ClinVar (database versions not stated): 1000 Genomes Project 0.00559; 1000 Genomes Project 30x 0.00562; gnomAD 0.00584 and 0.00632; TOPMed 0.00681.
gnomAD v4.1: 879 of 152,356 alleles (0.58%); highest among the groups gnomAD compares: African/African-American, 2%; 8 homozygotes.

Submission:

GeneDx
Classification: Likely benign. Last evaluated: 2018-06-19. Review status: criteria provided, single submitter. Criteria: GeneDx Variant Classification (06012015). Collection method: clinical testing. Allele origin: germline. Affected: yes.
Comment: This variant is considered likely benign or benign based on one or more of the following criteria: it is a conservative change, it occurs at a poorly conserved position in the protein, it is predicted to be benign by multiple in silico algorithms, and/or has population frequency not consistent with disease.

NM_020745.4(AARS2):c.435+224A>C

Gene: AARS2 (alanyl-tRNA synthetase 2, mitochondrial; minus strand). Cytogenetic location: 6p21.1.
Variant type: single nucleotide variant.
Coding change: c.435+224A>C on transcript NM_020745.4 (MANE Select); 224 bases into the intron after coding-DNA position 435, A replaced by C.
Molecular consequence: intron variant.
Genome position (GRCh38, 1-based): chr6:44,311,848, T>G on the plus strand (A>C on the coding strand, the complement: AARS2 is on the minus strand). VCF-style: chr6-44311848-T-G. GRCh37 (hg19) VCF-style: chr6-44279585-T-G.
Identifiers: ClinVar variation 674095 (VCV000674095.1), dbSNP rs114397709, ClinGen allele CA138394922.